The following is an entry in ClinVar:

NM_014423.4(AFF4):c.580C>A (p.His194Asn)

Gene: AFF4 (ALF transcription elongation factor 4; minus strand). Cytogenetic location: 5q31.1.
Variant type: single nucleotide variant.
Coding change: c.580C>A on transcript NM_014423.4 (MANE Select); coding-DNA position 580, C replaced by A.
Protein change: p.His194Asn; replaces histidine 194 with asparagine.
Molecular consequence: missense variant.
Genome position (GRCh38, 1-based): chr5:132,934,485, G>T on the plus strand (C>A on the coding strand, the complement: AFF4 is on the minus strand). VCF-style: chr5-132934485-G-T. GRCh37 (hg19) VCF-style: chr5-132270177-G-T.
Other names: short protein forms H194N.
Identifiers: ClinVar variation 2076963 (VCV002076963.8), dbSNP rs200076214, ClinGen allele CA3409408.

ClinVar aggregate classification (germline): Uncertain significance. Review status: criteria provided, multiple submitters, no conflicts (2 of 4 stars). 3 submissions from 3 submitters: Uncertain significance (2). 1 of the submissions does not count toward it. Last evaluated 2025-12-16.

Conditions:
Cognitive impairment - coarse facies - heart defects - obesity - pulmonary involvement - short stature - skeletal dysplasia syndrome. Also called: Chops syndrome; AFF4-Related CHOPS Syndrome; COGNITIVE IMPAIRMENT, COARSE FACIES, HEART DEFECTS, OBESITY, PULMONARY INVOLVEMENT, SHORT STATURE, AND SKELETAL DYSPLASIA. Identifiers: Orphanet 444077, MedGen C4085597, MONDO:0014609, OMIM 616368.
Inborn genetic diseases. Identifiers: MedGen C0950123, MeSH D030342.
AFF4-related disorder. Also called: AFF4-related condition.

Allele frequency attached by ClinVar (database versions not stated): TOPMed below 0.00001; ExAC 0.00001; gnomAD 0.00001; gnomAD exomes 0.00001; 1000 Genomes Project 30x 0.00016; 1000 Genomes Project 0.00020.

Submissions (3):

Ambry Genetics
Classification: Uncertain significance for Inborn genetic diseases. Last evaluated: 2025-12-16. Review status: criteria provided, single submitter. Criteria: Ambry Variant Classification Scheme 2023. Collection method: clinical testing. Allele origin: germline.

Labcorp Genetics (formerly Invitae), Labcorp
Classification: Uncertain significance for Cognitive impairment - coarse facies - heart defects - obesity - pulmonary involvement - short stature - skeletal dysplasia syndrome. Last evaluated: 2022-03-04. Review status: criteria provided, single submitter. Criteria: Invitae Variant Classification Sherloc (09022015). Collection method: clinical testing. Allele origin: germline.
Comment: In summary, the available evidence is currently insufficient to determine the role of this variant in disease. Therefore, it has been classified as a Variant of Uncertain Significance. Algorithms developed to predict the effect of missense changes on protein structure and function are either unavailable or do not agree on the potential impact of this missense change (SIFT: "Tolerated"; PolyPhen-2: "Probably Damaging"; Align-GVGD: "Class C0"). This variant has not been reported in the literature in individuals affected with AFF4-related conditions. This variant is present in population databases (rs200076214, gnomAD 0.007%). This sequence change replaces histidine, which is basic and polar, with asparagine, which is neutral and polar, at codon 194 of the AFF4 protein (p.His194Asn).

PreventionGenetics, part of Exact Sciences
Classification: Uncertain significance for AFF4-related condition. Last evaluated: 2024-08-14. Review status: no assertion criteria provided. Collection method: clinical testing. Allele origin: germline. Not counted in ClinVar's aggregate classification.
Comment: The AFF4 c.580C>A variant is predicted to result in the amino acid substitution p.His194Asn. To our knowledge, this variant has not been reported in the literature. This variant is reported in 0.0062% of alleles in individuals of African descent in gnomAD. At this time, the clinical significance of this variant is uncertain due to the absence of conclusive functional and genetic evidence.